The following is an entry in ClinVar:

NM_001394998.1(TANC2):c.1556T>C (p.Met519Thr)

Gene: TANC2 (tetratricopeptide repeat, ankyrin repeat and coiled-coil containing 2; plus strand). Cytogenetic location: 17q23.3.
Variant type: single nucleotide variant.
Coding change: c.1556T>C on transcript NM_001394998.1 (MANE Select); coding-DNA position 1556, T replaced by C.
Protein change: p.Met519Thr; replaces methionine 519 with threonine.
Molecular consequence: missense variant.
Genome position (GRCh38, 1-based): chr17:63,319,071, T>C. VCF-style: chr17-63319071-T-C. GRCh37 (hg19) VCF-style: chr17-61396432-T-C.
Other names: c.1334T>C (NM_025185.3); c.1334T>C, p.Met445Thr (NM_001411076.1, NM_025185.4); short protein forms M445T, M519T.
Identifiers: ClinVar variation 2648048 (VCV002648048.25), dbSNP rs2509909654, ClinGen allele CA400795172.

ClinVar aggregate classification (germline): Uncertain significance. Review status: criteria provided, multiple submitters, no conflicts (2 of 4 stars). 2 submissions from 2 submitters: Uncertain significance (2). Last evaluated 2024-06-24.

Submissions (2):

GeneDx
Classification: Uncertain significance. Last evaluated: 2024-06-24. Review status: criteria provided, single submitter. Criteria: GeneDx Variant Classification Process June 2021. Collection method: clinical testing. Allele origin: germline. Affected: yes.
Comment: Not observed at significant frequency in large population cohorts (gnomAD); In silico analysis supports that this missense variant has a deleterious effect on protein structure/function; Has not been previously published as pathogenic or benign to our knowledge

CeGaT Center for Human Genetics Tuebingen
Classification: Uncertain significance. Last evaluated: 2022-12-01. Review status: criteria provided, single submitter. Criteria: CeGaT Center For Human Genetics Tuebingen Variant Classification Criteria Version 2. Collection method: clinical testing. Allele origin: germline. Affected: yes. Observed: 1 variant allele.
Comment: TANC2: PM2